The following is an entry in ClinVar:

NM_001034850.3(RETREG1):c.670+56G>A

Gene: RETREG1 (reticulophagy regulator 1; minus strand). Cytogenetic location: 5p15.1.
Variant type: single nucleotide variant.
Coding change: c.670+56G>A on transcript NM_001034850.3 (MANE Select); 56 bases into the intron after coding-DNA position 670, G replaced by A.
Molecular consequence: intron variant.
Genome position (GRCh38, 1-based): chr5:16,480,953, C>T on the plus strand (G>A on the coding strand, the complement: RETREG1 is on the minus strand). VCF-style: chr5-16480953-C-T. GRCh37 (hg19) VCF-style: chr5-16481062-C-T.
Other names: c.247+56G>A (NM_019000.5).
Identifiers: ClinVar variation 670507 (VCV000670507.2), dbSNP rs2305279, ClinGen allele CA15390105.
Genomic context (GRCh38, chr5:16,480,953, plus strand): 5'-AATCAACTTGTATTATAGTTAAGAACTCATCCCCCCTCTTCAAACTACAGGTCTGTTGAC[C>T]GTAAGGTGATACCATATGCATCACAACACTTAGCCATATGTTCTACTATACTTACACAGT-3'

ClinVar aggregate classification (germline): Benign. Review status: criteria provided, multiple submitters, no conflicts (2 of 4 stars). 2 submissions from 2 submitters: Benign (2). Last evaluated 2018-06-14.

Allele frequency attached by ClinVar (database versions not stated): gnomAD 0.18805 and 0.19580; TOPMed 0.19082; ESP Exome Variant Server 0.19435; 1000 Genomes Project 30x 0.22564; 1000 Genomes Project 0.23423.
gnomAD v4.1: 279,063 of 1,196,270 alleles (23%); highest among the groups gnomAD compares: South Asian, 33%; 34,152 homozygotes.

Submissions (2):

GeneDx
Classification: Benign. Last evaluated: 2018-06-14. Review status: criteria provided, single submitter. Criteria: GeneDx Variant Classification (06012015). Collection method: clinical testing. Allele origin: germline. Affected: yes.
Comment: This variant is considered likely benign or benign based on one or more of the following criteria: it is a conservative change, it occurs at a poorly conserved position in the protein, it is predicted to be benign by multiple in silico algorithms, and/or has population frequency not consistent with disease.

Breakthrough Genomics
Classification: Benign. Review status: criteria provided, single submitter. Criteria: ACMG Guidelines, 2015. Collection method: not provided. Allele origin: germline. Inheritance: Autosomal recessive inheritance. Affected: yes.